The following is an entry in ClinVar:

ClinVar aggregate classification (germline): Uncertain significance (1 of 4 stars; one submission).

Conditions:
Hereditary spastic paraplegia 47. Also called: CEREBRAL PALSY, SPASTIC QUADRIPLEGIC, 5; Spastic paraplegia 47, autosomal recessive; adaptor protein 4 (AP-4) deficiency syndrome. Identifiers: Orphanet 280763, MedGen C3279738, MONDO:0013551, OMIM 614066.

Allele frequency attached by ClinVar (database versions not stated): gnomAD exomes below 0.00001; TOPMed below 0.00001; ExAC 0.00001; gnomAD 0.00001.
gnomAD v4.1: 6 of 1,614,094 alleles (0.00037%); highest among the groups gnomAD compares: South Asian, 0.0044%; no homozygotes.

Submission:

Neuberg Centre For Genomic Medicine, NCGM
Classification: Uncertain significance for Hereditary spastic paraplegia 47. Review status: criteria provided, single submitter. Criteria: ACMG Guidelines, 2015. Collection method: clinical testing. Allele origin: germline. Inheritance: Autosomal recessive inheritance. Affected: yes.
Comment: The c.202G>A (p.Val68Ile) missense variant in AP4B1 gene has not been reported previously as a pathogenic variant nor as a benign variant, to our knowledge. This variant is reported with the allele frequency (0.0003%) in the gnomad and novel in 1000 genome database. The amino acid Val at position 68 is changed to a Ile changing protein sequence and it might alter its composition and physico-chemical properties. The amino acid change p.Val68Ile in AP4B1 is predicted as conserved by GERP++ and PhyloP across 100 vertebrates. For these reasons, this variant has been classified as Variant of Uncertain Significance (VUS)

NM_001253852.3(AP4B1):c.202G>A (p.Val68Ile)

Gene: AP4B1 (adaptor related protein complex 4 subunit beta 1; minus strand). Cytogenetic location: 1p13.2.
Variant type: single nucleotide variant.
Coding change: c.202G>A on transcript NM_001253852.3 (MANE Select); coding-DNA position 202, G replaced by A.
Protein change: p.Val68Ile; replaces valine 68 with isoleucine.
Molecular consequence: missense variant. On other transcripts: intron variant (2).
Genome position (GRCh38, 1-based): chr1:113,902,774, C>T on the plus strand (G>A on the coding strand, the complement: AP4B1 is on the minus strand). VCF-style: chr1-113902774-C-T. GRCh37 (hg19) VCF-style: chr1-114445396-C-T.
Other names: c.202G>A, p.Val68Ile (NM_006594.5); c.-56-40G>A (NM_001253853.3); c.113+1831G>A (NM_001308312.2); short protein forms V68I.
Identifiers: ClinVar variation 2585554 (VCV002585554.1), dbSNP rs751780972, ClinGen allele CA1016164.